The following is an entry in ClinVar:

NM_002608.4(PDGFB):c.468C>A (p.Ile156=)

Gene: PDGFB (platelet derived growth factor subunit B; minus strand). Cytogenetic location: 22q13.1.
Variant type: single nucleotide variant.
Coding change: c.468C>A on transcript NM_002608.4 (MANE Select); coding-DNA position 468, C replaced by A.
Protein change: p.Ile156=; no amino-acid change (isoleucine 156 retained).
Molecular consequence: synonymous variant.
Genome position (GRCh38, 1-based): chr22:39,230,217, G>T on the plus strand (C>A on the coding strand, the complement: PDGFB is on the minus strand). VCF-style: chr22-39230217-G-T. GRCh37 (hg19) VCF-style: chr22-39626222-G-T.
Other names: c.423C>A, p.Ile141= (NM_033016.3).
Identifiers: ClinVar variation 3054424 (VCV003054424.2), dbSNP rs774559047, ClinGen allele CA10240094.

ClinVar aggregate classification (germline): Likely benign (0 of 4 stars; one submission).

Conditions:
PDGFB-related disorder. Also called: PDGFB-related condition.

gnomAD v4.1: 8 of 1,613,722 alleles (0.0005%); highest among the groups gnomAD compares: African/African-American, 0.0053%; no homozygotes.

Submission:

PreventionGenetics, part of Exact Sciences
Classification: Likely benign for PDGFB-related condition. Last evaluated: 2020-04-01. Review status: no assertion criteria provided. Collection method: clinical testing. Allele origin: germline.
Comment: This variant is classified as likely benign based on ACMG/AMP sequence variant interpretation guidelines (Richards et al. 2015 PMID: 25741868, with internal and published modifications).